The following is an entry in ClinVar:

NM_017739.4(POMGNT1):c.1540-16C>T

Genes: POMGNT1 (protein O-linked mannose N-acetylglucosaminyltransferase 1 (beta 1,2-); minus strand), TSPAN1 (tetraspanin 1; plus strand). Cytogenetic location: 1p34.1.
Variant type: single nucleotide variant.
Coding change: c.1540-16C>T on transcript NM_017739.4 (MANE Select); 16 bases into the intron before coding-DNA position 1540, C replaced by T.
Molecular consequence: intron variant.
Genome position (GRCh38, 1-based): chr1:46,190,800, G>A on the plus strand (C>T on the coding strand, the complement: POMGNT1 is on the minus strand). VCF-style: chr1-46190800-G-A. GRCh37 (hg19) VCF-style: chr1-46656472-G-A.
Other names: c.1540-16C>T (NM_001243766.2, NM_001438686.1, NM_001438688.1 and 3 more transcripts); c.1474-16C>T (NM_001290129.3, NM_001438691.1, NM_001438692.1); c.1111-16C>T (NM_001290130.2).
Identifiers: ClinVar variation 162587 (VCV000162587.13), dbSNP rs10493123, ClinGen allele CA295418.

ClinVar aggregate classification (germline): Benign. Review status: criteria provided, multiple submitters, no conflicts (2 of 4 stars). 6 submissions from 6 submitters: Benign (4). 2 of the submissions do not count toward it. Last evaluated 2026-02-03.

Conditions:
Muscular dystrophy-dystroglycanopathy (congenital with impaired intellectual development), type B, 3. Also called: MUSCULAR DYSTROPHY, CONGENITAL, POMGNT1-RELATED; Muscular dystrophy-dystroglycanopathy (congenital with intellectual disability), type B3. Identifiers: MedGen C3150412, MONDO:0013155, OMIM 613151.
Autosomal recessive limb-girdle muscular dystrophy type 2O. Also called: Limb-Girdle Muscular Dystrophy Type 3C; MUSCULAR DYSTROPHY-DYSTROGLYCANOPATHY (LIMB-GIRDLE), TYPE C, 3; MUSCULAR DYSTROPHY-DYSTROGLYCANOPATHY, LIMB-GIRDLE, POMGNT1-RELATED. Identifiers: Orphanet 206564, MedGen C3150417, MONDO:0013161, OMIM 613157.

Allele frequency attached by ClinVar (database versions not stated): gnomAD exomes 0.00612; ExAC 0.00719; gnomAD 0.01892 and 0.02014; TOPMed 0.02120; ESP Exome Variant Server 0.02153; 1000 Genomes Project 0.02316; 1000 Genomes Project 30x 0.02374.
gnomAD v4.1: 6,505 of 1,603,762 alleles (0.41%); highest among the groups gnomAD compares: African/African-American, 6.4%; 176 homozygotes.

Submissions (6):

Labcorp Genetics (formerly Invitae), Labcorp
Classification: Benign for Autosomal recessive limb-girdle muscular dystrophy type 2O; Muscular dystrophy-dystroglycanopathy (congenital with impaired intellectual development), type B, 3. Last evaluated: 2026-02-03. Review status: criteria provided, single submitter. Criteria: Invitae Variant Classification Sherloc (09022015). Collection method: clinical testing. Allele origin: germline.

GeneDx
Classification: Benign. Last evaluated: 2014-06-25. Review status: criteria provided, single submitter. Criteria: GeneDx Variant Classification (06012015). Collection method: clinical testing. Allele origin: germline. Affected: yes.
Comment: This variant is considered likely benign or benign based on one or more of the following criteria: it is a conservative change, it occurs at a poorly conserved position in the protein, it is predicted to be benign by multiple in silico algorithms, and/or has population frequency not consistent with disease.

Breakthrough Genomics
Classification: Benign. Review status: criteria provided, single submitter. Criteria: ACMG Guidelines, 2015. Collection method: not provided. Allele origin: germline. Inheritance: Autosomal recessive inheritance. Affected: yes.

PreventionGenetics, part of Exact Sciences
Classification: Benign. Review status: criteria provided, single submitter. Criteria: ACMG Guidelines, 2015. Collection method: clinical testing. Allele origin: germline.

Clinical Genetics DNA and cytogenetics Diagnostics Lab, Erasmus MC, Erasmus Medical Center
Classification: Benign. Review status: no assertion criteria provided. Collection method: clinical testing. Allele origin: germline. Affected: yes. Study: VKGL Data-share Consensus. Not counted in ClinVar's aggregate classification.

Laboratory of Diagnostic Genome Analysis, Leiden University Medical Center (LUMC)
Classification: Likely benign. Review status: no assertion criteria provided. Collection method: clinical testing. Allele origin: germline. Affected: yes. Study: VKGL Data-share Consensus. Not counted in ClinVar's aggregate classification.